The following is an entry in ClinVar:

NM_031892.3(SH3KBP1):c.1330A>T (p.Ser444Cys)

Gene: SH3KBP1 (SH3 domain containing kinase binding protein 1; minus strand). Cytogenetic location: Xp22.12.
Variant type: single nucleotide variant.
Coding change: c.1330A>T on transcript NM_031892.3 (MANE Select); coding-DNA position 1330, A replaced by T.
Protein change: p.Ser444Cys; replaces serine 444 with cysteine.
Molecular consequence: missense variant.
Genome position (GRCh38, 1-based): chrX:19,569,157, T>A on the plus strand (A>T on the coding strand, the complement: SH3KBP1 is on the minus strand). VCF-style: chrX-19569157-T-A. GRCh37 (hg19) VCF-style: chrX-19587275-T-A.
Other names: c.1219A>T, p.Ser407Cys (NM_001024666.3); c.616A>T, p.Ser206Cys (NM_001184960.2, NM_001353897.2); c.1330A>T, p.Ser444Cys (NM_001353890.2); c.1405A>T, p.Ser469Cys (NM_001353891.2, NM_001353892.2); c.1228A>T, p.Ser410Cys (NM_001353893.2, NM_001353894.2); c.1285A>T, p.Ser429Cys (NM_001353895.2); c.1462A>T, p.Ser488Cys (NM_001410756.1, NM_001410757.1); c.1153A>T, p.Ser385Cys (NM_001410758.1); short protein forms S410C, S469C, S206C, S385C, S429C, S488C, S407C, S444C.
Identifiers: ClinVar variation 1922450 (VCV001922450.5), dbSNP rs2519057008, ClinGen allele CA412498228.
Genomic context (GRCh38, chrX:19,569,157, plus strand): 5'-ACTCACCAATGTCATTGCTGCGGTCCGAGAGATCTTTGTCCAGGATGCCAGATAGCGAAC[T>A]GCCGGCCAAGTCAATCTTTGGACTGTCACCCCTACATTAAAAACACAAGCCCAGACATTT-3'
Protein context (NP_114098.1, residues 434-454): GDSPKIDLAG[Ser444Cys]SLSGILDKDL

ClinVar aggregate classification (germline): Uncertain significance (1 of 4 stars; one submission).

Submission:

Labcorp Genetics (formerly Invitae), Labcorp
Classification: Uncertain significance. Last evaluated: 2022-10-26. Review status: criteria provided, single submitter. Criteria: Invitae Variant Classification Sherloc (09022015). Collection method: clinical testing. Allele origin: germline.
Comment: In summary, the available evidence is currently insufficient to determine the role of this variant in disease. Therefore, it has been classified as a Variant of Uncertain Significance. Advanced modeling of protein sequence and biophysical properties (such as structural, functional, and spatial information, amino acid conservation, physicochemical variation, residue mobility, and thermodynamic stability) performed at Invitae indicates that this missense variant is not expected to disrupt SH3KBP1 protein function. This variant has not been reported in the literature in individuals affected with SH3KBP1-related conditions. This variant is not present in population databases (gnomAD no frequency). This sequence change replaces serine, which is neutral and polar, with cysteine, which is neutral and slightly polar, at codon 444 of the SH3KBP1 protein (p.Ser444Cys).